The following is an entry in ClinVar:

NM_000290.4(PGAM2):c.359A>G (p.Asp120Gly)

Genes: DBNL (drebrin like; plus strand), PGAM2 (phosphoglycerate mutase 2; minus strand), LOC129998342 (ATAC-STARR-seq lymphoblastoid active region 25925; plus strand). Cytogenetic location: 7p13.
Variant type: single nucleotide variant.
Coding change: c.359A>G on transcript NM_000290.4 (MANE Select); coding-DNA position 359, A replaced by G.
Protein change: p.Asp120Gly; replaces aspartic acid 120 with glycine.
Molecular consequence: missense variant. On other transcripts: 3 prime UTR variant (6).
Genome position (GRCh38, 1-based): chr7:44,065,171, T>C on the plus strand (A>G on the coding strand, the complement: PGAM2 is on the minus strand). VCF-style: chr7-44065171-T-C. GRCh37 (hg19) VCF-style: chr7-44104770-T-C.
Other names: c.*4255T>C (NM_001014436.3, NM_001122956.2, NM_001284313.2 and 3 more transcripts); short protein forms D120G.
Identifiers: ClinVar variation 1903908 (VCV001903908.3), dbSNP rs936491728, ClinGen allele CA157875564.
Genomic context (GRCh38, chr7:44,065,171, plus strand): 5'-CCCACCTTGCTAATGGAGTTGTAGTAGGGGTGCTTCTCGTCCATCGGGGGCGGCGGGATG[T>C]CGAAGGAGCGCCTCCAGATCTTCACCTGCTCCTCCCCGTGCTTGGCGGCCGTTTCTGCCT-3'
Protein context (NP_000281.2, residues 110-130): EQVKIWRRSF[Asp120Gly]IPPPPMDEKH

ClinVar aggregate classification (germline): Uncertain significance (1 of 4 stars; one submission).

Conditions:
Glycogen storage disease type X (GSD10). Also called: Glycogen storage disease due to phosphoglycerate mutase deficiency; GSD X; MYOPATHY DUE TO PHOSPHOGLYCERATE MUTASE DEFICIENCY; PGAMM DEFICIENCY; PHOSPHOGLYCERATE MUTASE, MUSCLE, DEFICIENCY OF; Dimauro disease. Identifiers: Orphanet 97234, MedGen C0268149, MONDO:0009865, OMIM 261670.

Allele frequency attached by ClinVar (database versions not stated): gnomAD exomes below 0.00001; gnomAD 0.00001; TOPMed 0.00002.
gnomAD v4.1: 5 of 1,613,828 alleles (0.00031%); highest among the groups gnomAD compares: African/African-American, 0.0027%; no homozygotes.

Submission:

Labcorp Genetics (formerly Invitae), Labcorp
Classification: Uncertain significance for Glycogen storage disease type X. Last evaluated: 2025-10-09. Review status: criteria provided, single submitter. Criteria: Invitae Variant Classification Sherloc (09022015). Collection method: clinical testing. Allele origin: germline.
Comment: This sequence change replaces aspartic acid, which is acidic and polar, with glycine, which is neutral and non-polar, at codon 120 of the PGAM2 protein (p.Asp120Gly). This variant is not present in population databases (gnomAD no frequency). This variant has not been reported in the literature in individuals affected with PGAM2-related conditions. ClinVar contains an entry for this variant (Variation ID: 1903908). Invitae Evidence Modeling of protein sequence and biophysical properties (such as structural, functional, and spatial information, amino acid conservation, physicochemical variation, residue mobility, and thermodynamic stability) has been performed for this missense variant. However, the output from this modeling did not meet the statistical confidence thresholds required to predict the impact of this variant on PGAM2 protein function. In summary, the available evidence is currently insufficient to determine the role of this variant in disease. Therefore, it has been classified as a Variant of Uncertain Significance.